The following is an entry in ClinVar:

ClinVar aggregate classification (germline): Pathogenic (1 of 4 stars; one submission).

Conditions:
ALG6-congenital disorder of glycosylation 1C (CDG1C). Also called: CARBOHYDRATE-DEFICIENT GLYCOPROTEIN SYNDROME, TYPE I, WITH DEFICIENT GLYCOSYLATION OF DOLICHOL-LINKED OLIGOSACCHARIDE; CARBOHYDRATE-DEFICIENT GLYCOPROTEIN SYNDROME, TYPE V; Congenital disorder of glycosylation type 1C; CDG Ic; Congenital disorder of glycosylation, type Ic. Identifiers: Orphanet 79320, MedGen C2930997, MONDO:0011291, OMIM 603147.

Allele frequency attached by ClinVar (database versions not stated): gnomAD exomes below 0.00001.
gnomAD v4.1: 1 of 1,582,936 alleles (0.000063%); highest among the groups gnomAD compares: East Asian, 0.0023%; no homozygotes.

Submission:

Labcorp Genetics (formerly Invitae), Labcorp
Classification: Pathogenic for ALG6-congenital disorder of glycosylation 1C. Last evaluated: 2021-11-12. Review status: criteria provided, single submitter. Criteria: Invitae Variant Classification Sherloc (09022015). Collection method: clinical testing. Allele origin: germline.
Comment: For these reasons, this variant has been classified as Pathogenic. This variant disrupts a region of the ALG6 protein in which other variant(s) (p.Val447Serfs*44) have been determined to be pathogenic (PMID: 23430515, 27287710). This suggests that this is a clinically significant region of the protein, and that variants that disrupt it are likely to be disease-causing. Variants that disrupt the consensus splice site are a relatively common cause of aberrant splicing (PMID: 17576681, 9536098). Algorithms developed to predict the effect of sequence changes on RNA splicing suggest that this variant may disrupt the consensus splice site. This variant has not been reported in the literature in individuals affected with ALG6-related conditions. The frequency data for this variant in the population databases is considered unreliable, as metrics indicate poor data quality at this position in the gnomAD database. This sequence change affects a donor splice site in intron 14 of the ALG6 gene. While this variant is not anticipated to result in nonsense mediated decay, it likely alters RNA splicing and results in a disrupted protein product.

Literature cited by the submitters: PubMed 23430515; PubMed 27287710; PubMed 17576681; PubMed 9536098.

NM_013339.4(ALG6):c.1326+1G>T

Gene: ALG6 (ALG6 alpha-1,3-glucosyltransferase; plus strand). Cytogenetic location: 1p31.3.
Variant type: single nucleotide variant.
Coding change: c.1326+1G>T on transcript NM_013339.4 (MANE Select); the canonical splice donor site of the intron after coding-DNA position 1326, G replaced by T.
Molecular consequence: splice donor variant.
Genome position (GRCh38, 1-based): chr1:63,429,127, G>T. VCF-style: chr1-63429127-G-T. GRCh37 (hg19) VCF-style: chr1-63894798-G-T.
Identifiers: ClinVar variation 1370628 (VCV001370628.6), dbSNP rs1475789647, ClinGen allele CA340640809.